The following is an entry in ClinVar:

NM_001376.5(DYNC1H1):c.13372+9G>A

Gene: DYNC1H1 (dynein cytoplasmic 1 heavy chain 1; plus strand). Cytogenetic location: 14q32.31.
Variant type: single nucleotide variant.
Coding change: c.13372+9G>A on transcript NM_001376.5 (MANE Select); 9 bases into the intron after coding-DNA position 13372, G replaced by A.
Molecular consequence: intron variant.
Genome position (GRCh38, 1-based): chr14:102,048,678, G>A. VCF-style: chr14-102048678-G-A. GRCh37 (hg19) VCF-style: chr14-102515015-G-A.
Other names: p.?.
Identifiers: ClinVar variation 128932 (VCV000128932.35), dbSNP rs1004903, ClinGen allele CA152635.
Genomic context (GRCh38, chr14:102,048,678, plus strand): 5'-AAGAAGAAGCAGACCAACTACTTGCGCACGCTGATCAACGAGCTAGTGAAAGGTGCGTGA[G>A]AGGCCGAACTCGTGGTGTGGCTTCCGGCGGGCACCTTGGCCAGGGGCCACAACCCAGCCC-3'

ClinVar aggregate classification (germline): Benign. Review status: criteria provided, multiple submitters, no conflicts (2 of 4 stars). 18 submissions from 15 submitters: Benign (15). 3 of the submissions do not count toward it. Last evaluated 2026-02-04.

Conditions:
Autosomal dominant cerebellar ataxia. Also called: Spinocerebellar Ataxia, Dominant. Identifiers: Orphanet 99, MedGen C4087347, MONDO:0020380.
Charcot-Marie-Tooth disease. Also called: Charcot-Marie-Tooth Neuropathy; Charcot-Marie-Tooth Hereditary Neuropathy. Identifiers: Orphanet 166, MedGen C0007959, MONDO:0015626.
Inborn genetic diseases. Identifiers: MedGen C0950123, MeSH D030342.
Cortical dysplasia, complex, with other brain malformations 13. Also called: Intellectual disability, autosomal dominant 13. Identifiers: MedGen C3281202, MONDO:0013805, OMIM 614563.
Autosomal dominant childhood-onset proximal spinal muscular atrophy without contractures. Also called: Spinal muscular atrophy, lower extremity-predominant 1, AD; SPINAL MUSCULAR ATROPHY, CHILDHOOD, PROXIMAL, AUTOSOMAL DOMINANT; KUGELBERG-WELANDER SYNDROME, AUTOSOMAL DOMINANT; SPINAL MUSCULAR ATROPHY, JUVENILE, PROXIMAL, AUTOSOMAL DOMINANT. Identifiers: Orphanet 209341, Orphanet 363447, MedGen C5780022, MONDO:0008026, OMIM 158600.
Charcot-Marie-Tooth disease axonal type 2O. Also called: CHARCOT-MARIE-TOOTH NEUROPATHY, AXONAL, TYPE 2O; CHARCOT-MARIE-TOOTH DISEASE, AXONAL, AUTOSOMAL DOMINANT, TYPE 2O; Charcot-Marie-Tooth Neuropathy Type 2O; Charcot-Marie-Tooth disease, axonal, type 20. Identifiers: Orphanet 284232, MedGen C3280220, MONDO:0013644, OMIM 614228.

Allele frequency attached by ClinVar (database versions not stated): gnomAD exomes 0.19501 and 0.22254; ExAC 0.23108; gnomAD 0.29092 and 0.29622; ESP Exome Variant Server 0.29533; TOPMed 0.30293; 1000 Genomes Project 0.31450; 1000 Genomes Project 30x 0.31574.
gnomAD v4.1: 330,358 of 1,611,846 alleles (20%); highest among the groups gnomAD compares: African/African-American, 53%; 38,627 homozygotes.

Submissions (18):

Labcorp Genetics (formerly Invitae), Labcorp
Classification: Benign for Charcot-Marie-Tooth disease axonal type 2O. Last evaluated: 2026-02-04. Review status: criteria provided, single submitter. Criteria: Invitae Variant Classification Sherloc (09022015). Collection method: clinical testing. Allele origin: germline.

Genome-Nilou Lab
Classification: Benign for Charcot-Marie-Tooth disease axonal type 2O. Last evaluated: 2021-07-30. Review status: criteria provided, single submitter. Criteria: ACMG Guidelines, 2015. Collection method: clinical testing. Allele origin: germline. Affected: no.

Genome-Nilou Lab
Classification: Benign for Cortical dysplasia, complex, with other brain malformations 13. Last evaluated: 2021-07-30. Review status: criteria provided, single submitter. Criteria: ACMG Guidelines, 2015. Collection method: clinical testing. Allele origin: germline. Affected: no.

Genome-Nilou Lab
Classification: Benign for Autosomal dominant childhood-onset proximal spinal muscular atrophy without contractures. Last evaluated: 2021-07-30. Review status: criteria provided, single submitter. Criteria: ACMG Guidelines, 2015. Collection method: clinical testing. Allele origin: germline. Affected: no.

Illumina Laboratory Services, Illumina
Classification: Benign for Spinocerebellar Ataxia, Dominant. Last evaluated: 2018-01-13. Review status: criteria provided, single submitter. Criteria: ICSL Variant Classification Criteria 13 December 2019. Collection method: clinical testing. Allele origin: germline.
Comment: This variant was observed in the ICSL laboratory as part of a predisposition screen in an ostensibly healthy population. It had not been previously curated by ICSL or reported in the Human Gene Mutation Database (HGMD: prior to June 1st, 2018), and was therefore a candidate for classification through an automated scoring system. Utilizing variant allele frequency, disease prevalence and penetrance estimates, and inheritance mode, an automated score was calculated to assess if this variant is too frequent to cause the disease. Based on the score and internal cut-off values, a variant classified as benign is not then subjected to further curation. The score for this variant resulted in a classification of benign for this disease.

Illumina Laboratory Services, Illumina
Classification: Benign for Charcot-Marie-Tooth disease axonal type 2O. Last evaluated: 2018-01-13. Review status: criteria provided, single submitter. Criteria: ICSL Variant Classification Criteria 13 December 2019. Collection method: clinical testing. Allele origin: germline.
Comment: the same text as in the submission from Illumina Laboratory Services, Illumina above.

Athena Diagnostics
Classification: Benign. Last evaluated: 2017-11-16. Review status: criteria provided, single submitter. Criteria: Athena Diagnostics Criteria. Collection method: clinical testing. Allele origin: germline.

Ambry Genetics
Classification: Benign for Inborn genetic diseases. Last evaluated: 2016-05-31. Review status: criteria provided, single submitter. Criteria: Ambry Variant Classification Scheme 2023. Collection method: clinical testing. Allele origin: germline.

Laboratory for Molecular Medicine, Mass General Brigham Personalized Medicine
Classification: Benign. Last evaluated: 2016-03-28. Review status: criteria provided, single submitter. Criteria: LMM Criteria. Collection method: clinical testing. Allele origin: germline.
Comment: Variant identified in a genome or exome case(s) and assessed due to predicted null impact of the variant or pathogenic assertions in the literature or databases. Disclaimer: This variant has not undergone full assessment. The following are preliminary notes: Frequency

Mayo Clinic Laboratories, Mayo Clinic
Classification: Benign. Last evaluated: 2016-03-02. Review status: criteria provided, single submitter. Criteria: ACMG Guidelines, 2015. Collection method: clinical testing. Allele origin: germline. Observed: 791 variant alleles.

GeneDx
Classification: Benign. Last evaluated: 2015-03-03. Review status: criteria provided, single submitter. Criteria: GeneDx Variant Classification Process June 2021. Collection method: clinical testing. Allele origin: germline. Affected: yes.

Genetic Services Laboratory, University of Chicago
Classification: Benign for AllHighlyPenetrant. Last evaluated: 2013-04-25. Review status: criteria provided, single submitter. Criteria: ACMG Guidelines, 2007. Collection method: clinical testing. Allele origin: germline. Inheritance: Autosomal dominant inheritance.

Breakthrough Genomics
Classification: Benign. Review status: criteria provided, single submitter. Criteria: ACMG Guidelines, 2015. Collection method: not provided. Allele origin: germline. Inheritance: Autosomal dominant inheritance. Affected: yes.

Molecular Genetics Laboratory, London Health Sciences Centre
Classification: Benign for Charcot-Marie-Tooth disease. Review status: criteria provided, single submitter. Criteria: ACMG Guidelines, 2015. Collection method: clinical testing. Allele origin: germline. Affected: yes.

PreventionGenetics, part of Exact Sciences
Classification: Benign. Review status: criteria provided, single submitter. Criteria: ACMG Guidelines, 2015. Collection method: clinical testing. Allele origin: germline.

Clinical Genetics DNA and cytogenetics Diagnostics Lab, Erasmus MC, Erasmus Medical Center
Classification: Benign. Review status: no assertion criteria provided. Collection method: clinical testing. Allele origin: germline. Affected: yes. Study: VKGL Data-share Consensus. Not counted in ClinVar's aggregate classification.

Clinical Genetics, Academic Medical Center
Classification: Benign. Review status: no assertion criteria provided. Collection method: clinical testing. Allele origin: germline. Affected: yes. Study: VKGL Data-share Consensus. Not counted in ClinVar's aggregate classification.

Joint Genome Diagnostic Labs from Nijmegen and Maastricht, Radboudumc and MUMC+
Classification: Benign. Review status: no assertion criteria provided. Collection method: clinical testing. Allele origin: germline. Affected: yes. Study: VKGL Data-share Consensus. Not counted in ClinVar's aggregate classification.